The following is an entry in ClinVar:

ClinVar aggregate classification (germline): Uncertain significance (1 of 4 stars; one submission).

Conditions:
Glycogen storage disease, type V (GSD5). Also called: MCARDLE DISEASE; MUSCLE GLYCOGEN PHOSPHORYLASE DEFICIENCY; MYOPHOSPHORYLASE DEFICIENCY; PYGM DEFICIENCY; McArdle type glycogen storage disease. Identifiers: Orphanet 368, MedGen C0017924, MONDO:0009293, OMIM 232600.

Allele frequency attached by ClinVar (database versions not stated): ESP Exome Variant Server 0.00008.
gnomAD v4.1: 6 of 1,602,404 alleles (0.00037%); highest among the groups gnomAD compares: Non-Finnish European, 0.00051%; no homozygotes.

Submission:

Labcorp Genetics (formerly Invitae), Labcorp
Classification: Uncertain significance for Glycogen storage disease, type V. Last evaluated: 2022-07-12. Review status: criteria provided, single submitter. Criteria: Invitae Variant Classification Sherloc (09022015). Collection method: clinical testing. Allele origin: germline.
Comment: This sequence change replaces valine, which is neutral and non-polar, with phenylalanine, which is neutral and non-polar, at codon 453 of the PYGM protein (p.Val453Phe). The frequency data for this variant in the population databases is considered unreliable, as metrics indicate poor data quality at this position in the gnomAD database. This variant has not been reported in the literature in individuals affected with PYGM-related conditions. Algorithms developed to predict the effect of missense changes on protein structure and function are either unavailable or do not agree on the potential impact of this missense change (SIFT: "Not Available"; PolyPhen-2: "Possibly Damaging"; Align-GVGD: "Not Available"). In summary, the available evidence is currently insufficient to determine the role of this variant in disease. Therefore, it has been classified as a Variant of Uncertain Significance.

NM_005609.4(PYGM):c.1357G>T (p.Val453Phe)

Gene: PYGM (glycogen phosphorylase, muscle associated; minus strand). Cytogenetic location: 11q13.1.
Variant type: single nucleotide variant.
Coding change: c.1357G>T on transcript NM_005609.4 (MANE Select); coding-DNA position 1357, G replaced by T.
Protein change: p.Val453Phe; replaces valine 453 with phenylalanine.
Molecular consequence: missense variant.
Genome position (GRCh38, 1-based): chr11:64,753,565, C>A on the plus strand (G>T on the coding strand, the complement: PYGM is on the minus strand). VCF-style: chr11-64753565-C-A. GRCh37 (hg19) VCF-style: chr11-64521037-C-A.
Other names: c.1093G>T, p.Val365Phe (NM_001164716.1); short protein forms V365F, V453F.
Identifiers: ClinVar variation 1910286 (VCV001910286.2), dbSNP rs151213354, ClinGen allele CA6079902.
Genomic context (GRCh38, chr11:64,753,565, plus strand): 5'-AAAGCGGGGCTCACATGGTCTTCTTGAGGATCTCGGAGTGGATGCGCGCCACGCCGTTGA[C>A]GGCGTGCGACCCCGCGATGCACAGGTGTGCCATGTTGATGCGCTTCACTGCGCCCTCCTC-3'
Protein context (NP_005600.1, residues 443-463): AHLCIAGSHA[Val453Phe]NGVARIHSEI